The following is an entry in ClinVar:

NM_001267550.2(TTN):c.57478G>C (p.Val19160Leu)

Genes: TTN (titin; minus strand), TTN-AS1 (TTN antisense RNA 1; plus strand). Cytogenetic location: 2q31.2.
Variant type: single nucleotide variant.
Coding change: c.57478G>C on transcript NM_001267550.2 (MANE Select); coding-DNA position 57478, G replaced by C.
Protein change: p.Val19160Leu; replaces valine 19160 with leucine.
Molecular consequence: missense variant. On other transcripts: non-coding transcript variant (2).
Genome position (GRCh38, 1-based): chr2:178,597,604, C>G on the plus strand (G>C on the coding strand, the complement: TTN is on the minus strand). VCF-style: chr2-178597604-C-G. GRCh37 (hg19) VCF-style: chr2-179462331-C-G.
Other names: c.52555G>C, p.Val17519Leu (NM_001256850.1); c.30283G>C, p.Val10095Leu (NM_003319.4); c.30658G>C, p.Val10220Leu (NM_133432.3); c.30859G>C, p.Val10287Leu (NM_133437.4); c.49774G>C, p.Val16592Leu (NM_133378.4); short protein forms V16592L, V19160L, V10095L, V10220L, V17519L, V10287L.
Identifiers: ClinVar variation 165951 (VCV000165951.57), dbSNP rs200778464, ClinGen allele CA178665.

ClinVar aggregate classification (germline): Conflicting classifications of pathogenicity. Review status: criteria provided, conflicting classifications (1 of 4 stars). 21 submissions from 17 submitters: Uncertain significance (8); Benign (2); Likely benign (5). 6 of the submissions do not count toward it. Last evaluated 2026-01-14.

Conditions:
TTN-related disorder. Also called: TTN-related disorders; TTN-related condition; TTN-related disease.
Dilated cardiomyopathy 1G (CMD1G). Identifiers: Orphanet 154, MedGen C1858763, MONDO:0011400, OMIM 604145.
Autosomal recessive limb-girdle muscular dystrophy type 2J (LGMDR10). Also called: Limb-girdle muscular dystrophy, type 2J; MUSCULAR DYSTROPHY, LIMB-GIRDLE, AUTOSOMAL RECESSIVE 10. Identifiers: Orphanet 140922, MedGen C1837342, MONDO:0012127, OMIM 608807.
Cardiomyopathy (CMYO). Also called: Cardiomyopathies. Identifiers: Orphanet 167848, MedGen C0878544, MONDO:0004994, HP:0001638. Inheritance: Various modes of inheritance.
Myopathy, myofibrillar, 9, with early respiratory failure (MFM9). Also called: Hereditary myopathy with early respiratory failure; MYOPATHY, PROXIMAL, WITH EARLY RESPIRATORY MUSCLE INVOLVEMENT; EDSTROM MYOPATHY; Myopathy, distal, with early respiratory failure, autosomal dominant. Identifiers: Orphanet 178464, Orphanet 34521, MedGen C1863599, MONDO:0011362, OMIM 603689.
Early-onset myopathy with fatal cardiomyopathy (CMYO5). Also called: CONGENITAL MYOPATHY 5 WITH CARDIOMYOPATHY; Salih Myopathy. Identifiers: Orphanet 289377, MedGen C2673677, MONDO:0012714, OMIM 611705. Disease mechanism: loss of function.
Tibial muscular dystrophy (TMD). Also called: UDD MYOPATHY; Tibial muscular dystrophy, tardive; Udd Distal Myopathy – Tibial Muscular Dystrophy. Identifiers: Orphanet 609, MedGen C1838244, MONDO:0010870, OMIM 600334.

Allele frequency attached by ClinVar (database versions not stated): gnomAD 0.00010; ESP Exome Variant Server 0.00017; TOPMed 0.00022.
gnomAD v4.1: 491 of 1,612,980 alleles (0.03%); highest among the groups gnomAD compares: Non-Finnish European, 0.041%; no homozygotes.

Submissions (21):

PreventionGenetics, part of Exact Sciences
Classification: Likely benign for TTN-related condition. Last evaluated: 2026-01-14. Review status: criteria provided, single submitter. Criteria: ACMG Guidelines, 2015. Collection method: clinical testing. Allele origin: germline.
Comment: This variant is classified as likely benign based on ACMG/AMP sequence variant interpretation guidelines (Richards et al. 2015 PMID: 25741868, with internal and published modifications).

Revvity Omics, Revvity
Classification: Uncertain significance. Last evaluated: 2022-10-14. Review status: criteria provided, single submitter. Criteria: ACMG Guidelines, 2015. Collection method: clinical testing. Allele origin: germline.

CeGaT Center for Human Genetics Tuebingen
Classification: Uncertain significance. Last evaluated: 2022-10-01. Review status: criteria provided, single submitter. Criteria: CeGaT Center For Human Genetics Tuebingen Variant Classification Criteria Version 2. Collection method: clinical testing. Allele origin: germline. Affected: yes. Observed: 1 variant allele.
Comment: TTN: PM2, BP4

CHEO Genetics Diagnostic Laboratory, Children's Hospital of Eastern Ontario
Classification: Likely benign for Cardiomyopathy. Last evaluated: 2021-10-13. Review status: criteria provided, single submitter. Criteria: ACMG Guidelines, 2015. Collection method: clinical testing. Allele origin: germline.

GeneDx
Classification: Likely benign. Last evaluated: 2021-01-28. Review status: criteria provided, single submitter. Criteria: GeneDx Variant Classification Process June 2021. Collection method: clinical testing. Allele origin: germline. Affected: yes.

ARUP Laboratories, Molecular Genetics and Genomics, ARUP Laboratories
Classification: Uncertain significance. Last evaluated: 2020-10-04. Review status: criteria provided, single submitter. Criteria: ARUP Molecular Germline Variant Investigation Process 2021. Collection method: clinical testing. Allele origin: germline.
Comment: The TTN c.57478G>C; p.Val19160Leu variant (rs200778464; ClinVar Variation ID: 165951) is rare in the general population (<0.2% allele frequency in the Genome Aggregation Database) and has not been reported in the medical literature in association with dilated cardiomyopathy (DCM) or other TTN-related disease. The clinical relevance of rare missense variants in this gene, which are identified on average once per individual sequenced in affected populations (Herman 2012), is not well understood. Yet, evidence suggests that the vast majority of such missense variants do not contribute to the clinical outcome of DCM (Begay 2015). Thus, the clinical significance of the p.Val19160Leu variant cannot be determined with certainty. References: Begay RL et al. Role of Titin Missense Variants in Dilated Cardiomyopathy. J Am Heart Assoc. 2015 Nov 13;4(11). Herman DS et al. Truncations of titin causing dilated cardiomyopathy. N Engl J Med. 2012 Feb 16;366(7):619-28. Linke WA and Hamdani N. Gigantic business: titin properties and function through thick and thin. Circ Res 2014; 114(6): 1052-1068.

Center for Advanced Laboratory Medicine, UC San Diego Health, University of California San Diego
Classification: Likely benign for Cardiomyopathy. Last evaluated: 2019-01-10. Review status: criteria provided, single submitter. Criteria: ACMG Guidelines, 2015. Collection method: clinical testing. Allele origin: germline. Affected: yes. Observed: 2 variant alleles.

Illumina Laboratory Services, Illumina
Classification: Uncertain significance for Autosomal recessive limb-girdle muscular dystrophy type 2J. Last evaluated: 2018-01-13. Review status: criteria provided, single submitter. Criteria: ICSL Variant Classification Criteria 13 December 2019. Collection method: clinical testing. Allele origin: germline.

Illumina Laboratory Services, Illumina
Classification: Benign for Tibial muscular dystrophy. Last evaluated: 2018-01-13. Review status: criteria provided, single submitter. Criteria: ICSL Variant Classification Criteria 13 December 2019. Collection method: clinical testing. Allele origin: germline.
Comment: This variant was observed in the ICSL laboratory as part of a predisposition screen in an ostensibly healthy population. It had not been previously curated by ICSL or reported in the Human Gene Mutation Database (HGMD: prior to June 1st, 2018), and was therefore a candidate for classification through an automated scoring system. Utilizing variant allele frequency, disease prevalence and penetrance estimates, and inheritance mode, an automated score was calculated to assess if this variant is too frequent to cause the disease. Based on the score and internal cut-off values, a variant classified as benign is not then subjected to further curation. The score for this variant resulted in a classification of benign for this disease.

Illumina Laboratory Services, Illumina
Classification: Uncertain significance for Early-onset myopathy with fatal cardiomyopathy. Last evaluated: 2018-01-13. Review status: criteria provided, single submitter. Criteria: ICSL Variant Classification Criteria 13 December 2019. Collection method: clinical testing. Allele origin: germline.

Illumina Laboratory Services, Illumina
Classification: Uncertain significance for Dilated cardiomyopathy 1G. Last evaluated: 2018-01-13. Review status: criteria provided, single submitter. Criteria: ICSL Variant Classification Criteria 13 December 2019. Collection method: clinical testing. Allele origin: germline.

Illumina Laboratory Services, Illumina
Classification: Benign for Myopathy, myofibrillar, 9, with early respiratory failure. Last evaluated: 2018-01-13. Review status: criteria provided, single submitter. Criteria: ICSL Variant Classification Criteria 13 December 2019. Collection method: clinical testing. Allele origin: germline.
Comment: the same text as in the submission from Illumina Laboratory Services, Illumina above.

Labcorp Genetics (formerly Invitae), Labcorp
Classification: Uncertain significance for Dilated cardiomyopathy 1G; Autosomal recessive limb-girdle muscular dystrophy type 2J. Last evaluated: 2017-12-04. Review status: criteria provided, single submitter. Criteria: Invitae Variant Classification Sherloc (09022015). Collection method: clinical testing. Allele origin: germline.

Laboratory for Molecular Medicine, Mass General Brigham Personalized Medicine
Classification: Likely benign. Last evaluated: 2017-11-15. Review status: criteria provided, single submitter. Criteria: LMM Criteria. Collection method: clinical testing. Allele origin: germline. Observed: 1 variant allele.
Comment: proposed classification - variant undergoing re-assessment, contact laboratory

Eurofins Ntd Llc (ga)
Classification: Uncertain significance. Last evaluated: 2017-05-25. Review status: criteria provided, single submitter. Criteria: EGL Classification Definitions 2015. Collection method: clinical testing. Allele origin: germline. Observed: 7 variant alleles, 7 heterozygotes.

Clinical Genetics DNA and cytogenetics Diagnostics Lab, Erasmus MC, Erasmus Medical Center
Classification: Likely benign. Review status: no assertion criteria provided. Collection method: clinical testing. Allele origin: germline. Affected: yes. Study: VKGL Data-share Consensus. Not counted in ClinVar's aggregate classification.

Clinical Genetics, Academic Medical Center
Classification: Likely benign. Review status: no assertion criteria provided. Collection method: clinical testing. Allele origin: germline. Affected: yes. Study: VKGL Data-share Consensus. Not counted in ClinVar's aggregate classification.

Diagnostic Laboratory, Department of Genetics, University Medical Center Groningen
Classification: Likely benign. Review status: no assertion criteria provided. Collection method: clinical testing. Allele origin: germline. Affected: yes. Study: VKGL Data-share Consensus. Not counted in ClinVar's aggregate classification.

Genome Diagnostics Laboratory, University Medical Center Utrecht
Classification: Likely benign. Review status: no assertion criteria provided. Collection method: clinical testing. Allele origin: germline. Affected: yes. Study: VKGL Data-share Consensus. Not counted in ClinVar's aggregate classification.

Joint Genome Diagnostic Labs from Nijmegen and Maastricht, Radboudumc and MUMC+
Classification: Benign. Review status: no assertion criteria provided. Collection method: clinical testing. Allele origin: germline. Affected: yes. Study: VKGL Data-share Consensus. Not counted in ClinVar's aggregate classification.

Laboratory of Diagnostic Genome Analysis, Leiden University Medical Center (LUMC)
Classification: Likely benign. Review status: no assertion criteria provided. Collection method: clinical testing. Allele origin: germline. Affected: yes. Study: VKGL Data-share Consensus. Not counted in ClinVar's aggregate classification.